The following is an entry in ClinVar:

NM_020778.5(ALPK3):c.208C>T (p.Gln70Ter)

Gene: ALPK3 (alpha kinase 3; plus strand). Cytogenetic location: 15q25.3.
Variant type: single nucleotide variant.
Coding change: c.208C>T on transcript NM_020778.5 (MANE Select); coding-DNA position 208, C replaced by T.
Protein change: p.Gln70Ter; replaces glutamine 70 with a stop codon.
Molecular consequence: nonsense.
Genome position (GRCh38, 1-based): chr15:84,827,509, C>T. VCF-style: chr15-84827509-C-T. GRCh37 (hg19) VCF-style: chr15-85370740-C-T.
Other names: short protein forms Q70*.
Identifiers: ClinVar variation 2978316 (VCV002978316.4), dbSNP rs1963501754, ClinGen allele CA393370730.

ClinVar aggregate classification (germline): Pathogenic. Review status: criteria provided, multiple submitters, no conflicts (2 of 4 stars). 2 submissions from 2 submitters: Pathogenic (2). Last evaluated 2024-03-13.

Conditions:
Cardiomyopathy, familial hypertrophic 27. Identifiers: MedGen C4748014, MONDO:0054838, OMIM 618052.

Allele frequency attached by ClinVar (database versions not stated): TOPMed below 0.00001.

Submissions (2):

3billion
Classification: Pathogenic for Cardiomyopathy, familial hypertrophic 27. Last evaluated: 2024-03-13. Review status: criteria provided, single submitter. Criteria: ACMG Guidelines, 2015. Collection method: clinical testing. Allele origin: germline. Affected: yes.
Comment: The variant is not observed in the gnomAD v2.1.1 dataset. Predicted Consequence/Location: Stop-gained (nonsense): predicted to result in a loss or disruption of normal protein function through nonsense-mediated decay (NMD) or protein truncation. Multiple pathogenic variants are reported downstream of the variant. The variant has been reported to be associated with ALPK3 related disorder (ClinVar ID: VCV002978316). Therefore, this variant is classified as Pathogenic according to the recommendation of ACMG/AMP guideline.

Labcorp Genetics (formerly Invitae), Labcorp
Classification: Pathogenic. Last evaluated: 2023-10-06. Review status: criteria provided, single submitter. Criteria: Invitae Variant Classification Sherloc (09022015). Collection method: clinical testing. Allele origin: germline.
Comment: This sequence change creates a premature translational stop signal (p.Gln272*) in the ALPK3 gene. It is expected to result in an absent or disrupted protein product. Loss-of-function variants in ALPK3 are known to be pathogenic (PMID: 21441111, 26846950, 27106955, 34263907). This variant is not present in population databases (gnomAD no frequency). This variant has not been reported in the literature in individuals affected with ALPK3-related conditions. Algorithms developed to predict the effect of sequence changes on RNA splicing suggest that this variant may create or strengthen a splice site. For these reasons, this variant has been classified as Pathogenic.

Literature cited by the submitters: PubMed 21441111 (cited by Labcorp Genetics (formerly Invitae), Labcorp); PubMed 26846950 (cited by Labcorp Genetics (formerly Invitae), Labcorp); PubMed 27106955 (cited by Labcorp Genetics (formerly Invitae), Labcorp); PubMed 34263907 (cited by Labcorp Genetics (formerly Invitae), Labcorp).